The following is an entry in ClinVar:

ClinVar aggregate classification (germline): Pathogenic. Review status: criteria provided, multiple submitters, no conflicts (2 of 4 stars). 4 submissions from 4 submitters: Pathogenic (3). 1 of the submissions does not count toward it. Last evaluated 2023-04-20.

Conditions:
Tuberous sclerosis syndrome (TSC). Also called: Tuberous Sclerosis Complex; Tuberous sclerosis. Identifiers: Orphanet 805, MedGen C0041341, MONDO:0001734.
Tuberous sclerosis 2 (TSC2). Identifiers: Orphanet 805, MedGen C1860707, MONDO:0013199, OMIM 613254.

Submissions (4):

GeneDx
Classification: Pathogenic. Last evaluated: 2023-04-20. Review status: criteria provided, single submitter. Criteria: GeneDx Variant Classification Process June 2021. Collection method: clinical testing. Allele origin: germline. Affected: yes.
Comment: Frameshift variant predicted to result in protein truncation or nonsense mediated decay in a gene for which loss of function is a known mechanism of disease; Not observed at significant frequency in large population cohorts (gnomAD); This variant is associated with the following publications: (PMID: 17304050)

Labcorp Genetics (formerly Invitae), Labcorp
Classification: Pathogenic for Tuberous sclerosis 2. Last evaluated: 2021-03-15. Review status: criteria provided, single submitter. Criteria: Invitae Variant Classification Sherloc (09022015). Collection method: clinical testing. Allele origin: germline.
Comment: For these reasons, this variant has been classified as Pathogenic. This variant has been observed in individual(s) with clinical features of tuberous sclerosis complex (PMID: 17304050). This variant is not present in population databases (ExAC no frequency). This sequence change creates a premature translational stop signal (p.Val1372Glyfs*41) in the TSC2 gene. It is expected to result in an absent or disrupted protein product. Loss-of-function variants in TSC2 are known to be pathogenic (PMID: 10205261, 17304050).

Athena Diagnostics
Classification: Pathogenic. Last evaluated: 2019-10-29. Review status: criteria provided, single submitter. Criteria: Athena Diagnostics Criteria. Collection method: clinical testing. Allele origin: unknown.
Comment: The variant results in a shift of the reading frame, and is therefore predicted to result in the loss of a functional protein. Found in at least one patient with expected phenotype for this gene, and not found in general population data.

Tuberous sclerosis database (TSC2)
No classification provided. Condition: TSC. Review status: no classification provided. Criteria: Tuberous Sclerosis Database Assertion Criteria 2015. Collection method: curation. Allele origin: germline. Affected: yes. Not counted in ClinVar's aggregate classification.

Literature cited by the submitters: PubMed 17304050 (cited by Labcorp Genetics (formerly Invitae), Labcorp and Athena Diagnostics); PubMed 10205261 (cited by Labcorp Genetics (formerly Invitae), Labcorp).

NM_000548.5(TSC2):c.4115_4116del (p.Val1372fs)

Gene: TSC2 (TSC complex subunit 2; plus strand). Cytogenetic location: 16p13.3.
Variant type: Microsatellite.
Coding change: c.4115_4116del on transcript NM_000548.5 (MANE Select); coding-DNA positions 4115 to 4116, 2 bases deleted (TG; older notation c.4115_4116delTG).
Protein change: p.Val1372fs; shifts the reading frame from valine 1372.
Molecular consequence: frameshift variant.
Genome position (GRCh38, 1-based): chr16:2,084,337-2,084,338, TG deleted; deleting any 2 consecutive bases within chr16:2,084,335-2,084,338 gives the same sequence; the c. name uses the placement nearest the transcript's 3' end. VCF-style (leftmost placement, unchanged base first): chr16-2084334-CTG-C. GRCh37 (hg19) VCF-style: chr16-2134335-CTG-C.
Other names: c.3986_3987del, p.Val1329fs (NM_021055.3, NM_001370405.1); c.3914_3915del, p.Val1305fs (NM_001077183.3); c.4046_4047del, p.Val1349fs (NM_001114382.3); c.3806_3807del, p.Val1269fs (NM_001318827.2); c.3770_3771del, p.Val1257fs (NM_001318829.2); c.3383_3384del, p.Val1128fs (NM_001318831.2); c.3947_3948del, p.Val1316fs (NM_001318832.2); c.3917_3918del, p.Val1306fs (NM_001363528.2); and 1 more; short protein forms V1257fs, V1349fs, V1269fs, V1305fs, V1306fs, V1316fs, V1128fs, V1328fs.
Identifiers: ClinVar variation 49284 (VCV000049284.9), dbSNP rs137854368, ClinGen allele CA019965.